The following is an entry in ClinVar:

ClinVar aggregate classification (germline): Benign/Likely benign. Review status: criteria provided, multiple submitters, no conflicts (2 of 4 stars). 5 submissions from 5 submitters: Benign (3); Likely benign (1). 1 of the submissions does not count toward it. Last evaluated 2026-02-03.

Conditions:
Combined oxidative phosphorylation defect type 17. Also called: Combined oxidative phosphorylation deficiency 17. Identifiers: Orphanet 369913, MedGen C3809526, MONDO:0014190, OMIM 615440.
Prostate cancer, hereditary, 2 (HPC2). Identifiers: Orphanet 1331, MedGen C3539120, MONDO:0013872, OMIM 614731.

Allele frequency attached by ClinVar (database versions not stated): gnomAD 0.00196 and 0.00256; gnomAD exomes 0.00247 and 0.00550; TOPMed 0.00287; ExAC 0.00698; 1000 Genomes Project 30x 0.00937; 1000 Genomes Project 0.01018.
gnomAD v4.1: 4,106 of 1,611,200 alleles (0.25%); highest among the groups gnomAD compares: East Asian, 6.8%; 136 homozygotes.

Submissions (5):

Labcorp Genetics (formerly Invitae), Labcorp
Classification: Benign for Combined oxidative phosphorylation defect type 17. Last evaluated: 2026-02-03. Review status: criteria provided, single submitter. Criteria: Invitae Variant Classification Sherloc (09022015). Collection method: clinical testing. Allele origin: germline.

Blueprint Genetics
Classification: Likely benign. Last evaluated: 2024-11-27. Review status: criteria provided, single submitter. Criteria: ACMG Guidelines, 2015. Collection method: clinical testing. Allele origin: germline.

KCCC/NGS Laboratory, Kuwait Cancer Control Center
Classification: Benign for Prostate cancer, hereditary, 2. Last evaluated: 2023-07-07. Review status: criteria provided, single submitter. Criteria: ACMG Guidelines, 2015. Collection method: clinical testing. Allele origin: germline. Affected: yes.

GeneDx
Classification: Benign. Last evaluated: 2016-04-07. Review status: criteria provided, single submitter. Criteria: GeneDx Variant Classification (06012015). Collection method: clinical testing. Allele origin: germline. Affected: yes.
Comment: This variant is considered likely benign or benign based on one or more of the following criteria: it is a conservative change, it occurs at a poorly conserved position in the protein, it is predicted to be benign by multiple in silico algorithms, and/or has population frequency not consistent with disease.

Mayo Clinic Laboratories, Mayo Clinic
Classification: Benign. Last evaluated: 2017-06-14. Review status: no assertion criteria provided. Collection method: clinical testing. Allele origin: unknown. Not counted in ClinVar's aggregate classification.

NM_018127.7(ELAC2):c.174G>A (p.Val58=)

Gene: ELAC2 (elaC ribonuclease Z 2; minus strand). Cytogenetic location: 17p12.
Variant type: single nucleotide variant.
Coding change: c.174G>A on transcript NM_018127.7 (MANE Select); coding-DNA position 174, G replaced by A.
Protein change: p.Val58=; no amino-acid change (valine 58 retained).
Molecular consequence: synonymous variant.
Genome position (GRCh38, 1-based): chr17:13,017,774, C>T on the plus strand (G>A on the coding strand, the complement: ELAC2 is on the minus strand). VCF-style: chr17-13017774-C-T. GRCh37 (hg19) VCF-style: chr17-12921091-C-T.
Other names: c.174G>A, p.Val58= (NM_001165962.2, NM_173717.2); c.174G>A (NM_001165962.1).
Identifiers: ClinVar variation 382955 (VCV000382955.16), dbSNP rs2286334, ClinGen allele CA8401814.